The following is an entry in ClinVar:

NM_001378457.1(DMXL2):c.1993T>G (p.Leu665Val)

Gene: DMXL2 (Dmx like 2; minus strand). Cytogenetic location: 15q21.2.
Variant type: single nucleotide variant.
Coding change: c.1993T>G on transcript NM_001378457.1 (MANE Select); coding-DNA position 1993, T replaced by G.
Protein change: p.Leu665Val; replaces leucine 665 with valine.
Molecular consequence: missense variant. On other transcripts: non-coding transcript variant (2).
Genome position (GRCh38, 1-based): chr15:51,536,487, A>C on the plus strand (T>G on the coding strand, the complement: DMXL2 is on the minus strand). VCF-style: chr15-51536487-A-C. GRCh37 (hg19) VCF-style: chr15-51828684-A-C.
Other names: c.1993T>G, p.Leu665Val (NM_001174116.3, NM_001174117.3, NM_001378458.1 and 6 more transcripts); c.1753T>G, p.Leu585Val (NM_001378464.1); short protein forms L585V, L665V.
Identifiers: ClinVar variation 1365872 (VCV001365872.7), dbSNP rs200046847, ClinGen allele CA270607709.

ClinVar aggregate classification (germline): Uncertain significance. Review status: criteria provided, multiple submitters, no conflicts (2 of 4 stars). 4 submissions from 4 submitters: Uncertain significance (4). Last evaluated 2025-04-22.

Conditions:
Inborn genetic diseases. Identifiers: MedGen C0950123, MeSH D030342.
DMXL2-related disorder. Also called: DMXL2-related condition.

Allele frequency attached by ClinVar (database versions not stated): 1000 Genomes Project 30x 0.00016; 1000 Genomes Project 0.00020.
gnomAD v4.1: 41 of 1,614,032 alleles (0.0025%); highest among the groups gnomAD compares: Admixed American, 0.05%; no homozygotes.

Submissions (4):

PreventionGenetics, part of Exact Sciences
Classification: Uncertain significance for DMXL2-related condition. Last evaluated: 2025-04-22. Review status: criteria provided, single submitter. Criteria: ACMG Guidelines, 2015. Collection method: clinical testing. Allele origin: germline.
Comment: The DMXL2 c.1993T>G variant is predicted to result in the amino acid substitution p.Leu665Val. To our knowledge, this variant has not been reported in the literature. This variant is reported in 0.011% of alleles in individuals of Latino descent in gnomAD. At this time, the clinical significance of this variant is uncertain due to the absence of conclusive functional and genetic evidence.

GeneDx
Classification: Uncertain significance. Last evaluated: 2024-12-29. Review status: criteria provided, single submitter. Criteria: GeneDx Variant Classification Process June 2021. Collection method: clinical testing. Allele origin: germline.
Comment: In silico analysis supports that this missense variant has a deleterious effect on protein structure/function; Has not been previously published as pathogenic or benign to our knowledge

Labcorp Genetics (formerly Invitae), Labcorp
Classification: Uncertain significance. Last evaluated: 2022-10-25. Review status: criteria provided, single submitter. Criteria: Invitae Variant Classification Sherloc (09022015). Collection method: clinical testing. Allele origin: germline.
Comment: This sequence change replaces leucine, which is neutral and non-polar, with valine, which is neutral and non-polar, at codon 665 of the DMXL2 protein (p.Leu665Val). This variant is present in population databases (rs200046847, gnomAD 0.009%). This variant has not been reported in the literature in individuals affected with DMXL2-related conditions. ClinVar contains an entry for this variant (Variation ID: 1365872). Algorithms developed to predict the effect of missense changes on protein structure and function (SIFT, PolyPhen-2, Align-GVGD) all suggest that this variant is likely to be disruptive. In summary, the available evidence is currently insufficient to determine the role of this variant in disease. Therefore, it has been classified as a Variant of Uncertain Significance.

Ambry Genetics
Classification: Uncertain significance for Inborn genetic diseases. Last evaluated: 2021-07-15. Review status: criteria provided, single submitter. Criteria: Ambry Variant Classification Scheme 2023. Collection method: clinical testing. Allele origin: germline.